The following is an entry in ClinVar:

ClinVar aggregate classification (germline): Pathogenic (1 of 4 stars; one submission).

Conditions:
Inborn genetic diseases. Identifiers: MedGen C0950123, MeSH D030342.

Submission:

Ambry Genetics
Classification: Pathogenic for Inborn genetic diseases. Last evaluated: 2026-06-25. Review status: criteria provided, single submitter. Criteria: Ambry Variant Classification Scheme 2023. Collection method: clinical testing. Allele origin: germline.
Comment: The c.1365delT (p.E456Nfs*26) alteration, located in exon 7 (coding exon 7) of the HNRNPU gene, consists of a deletion of one nucleotide at position 1365, causing a translational frameshift with a predicted alternate stop codon after 26 amino acids. This variant is expected to result in loss of function by premature protein truncation or nonsense-mediated mRNA decay. This variant was not reported in population-based cohorts in the Genome Aggregation Database (gnomAD). Based on the available evidence, this alteration is classified as pathogenic.

NM_031844.3(HNRNPU):c.1365del (p.Glu456fs)

Gene: HNRNPU (heterogeneous nuclear ribonucleoprotein U; minus strand). Cytogenetic location: 1q44.
Variant type: Deletion.
Coding change: c.1365del on transcript NM_031844.3 (MANE Select); coding-DNA position 1365, one base deleted (T; older notation c.1365delT).
Protein change: p.Glu456fs; shifts the reading frame from glutamic acid 456.
Molecular consequence: frameshift variant.
Genome position (GRCh38, 1-based): chr1:244,858,140, A deleted on the plus strand (T on the coding strand, the reverse complement: HNRNPU is on the minus strand); the first of 2 consecutive A bases (chr1:244,858,140-244,858,141); deleting either gives the same sequence. VCF-style (leftmost placement, unchanged base first): chr1-244858139-CA-C. GRCh37 (hg19) VCF-style: chr1-245021441-CA-C.
Other names: c.1308del, p.Glu437fs (NM_004501.3); short protein forms E456fs, E437fs.
Identifiers: ClinVar variation 5022685 (VCV005022685.1).